The following is an entry in ClinVar:

NM_152594.3(SPRED1):c.582G>T (p.Gln194His)

Gene: SPRED1 (sprouty related EVH1 domain containing 1; plus strand). Cytogenetic location: 15q14.
Variant type: single nucleotide variant.
Coding change: c.582G>T on transcript NM_152594.3 (MANE Select); coding-DNA position 582, G replaced by T.
Protein change: p.Gln194His; replaces glutamine 194 with histidine.
Molecular consequence: missense variant.
Genome position (GRCh38, 1-based): chr15:38,339,895, G>T. VCF-style: chr15-38339895-G-T. GRCh37 (hg19) VCF-style: chr15-38632096-G-T.
Other names: short protein forms Q194H.
Identifiers: ClinVar variation 3663947 (VCV003663947.3).

ClinVar aggregate classification (germline): Uncertain significance. Review status: criteria provided, multiple submitters, no conflicts (2 of 4 stars). 2 submissions from 2 submitters: Uncertain significance (2). Last evaluated 2024-08-29.

Conditions:
Legius syndrome. Identifiers: Orphanet 137605, MedGen C1969623, MONDO:0012669, OMIM 611431. Disease mechanism: loss of function.

Submissions (2):

Labcorp Genetics (formerly Invitae), Labcorp
Classification: Uncertain significance for Legius syndrome. Last evaluated: 2024-08-29. Review status: criteria provided, single submitter. Criteria: Invitae Variant Classification Sherloc (09022015). Collection method: clinical testing. Allele origin: germline.
Comment: This sequence change replaces glutamine, which is neutral and polar, with histidine, which is basic and polar, at codon 194 of the SPRED1 protein (p.Gln194His). This variant also falls at the last nucleotide of exon 5, which is part of the consensus splice site for this exon. This variant is not present in population databases (gnomAD no frequency). This variant has not been reported in the literature in individuals affected with SPRED1-related conditions. An algorithm developed to predict the effect of missense changes on protein structure and function (PolyPhen-2) suggests that this variant is likely to be tolerated. Variants that disrupt the consensus splice site are a relatively common cause of aberrant splicing (PMID: 17576681, 9536098). In summary, the available evidence is currently insufficient to determine the role of this variant in disease. Therefore, it has been classified as a Variant of Uncertain Significance.

Blueprint Genetics
Classification: Uncertain significance. Last evaluated: 2021-10-06. Review status: criteria provided, single submitter. Criteria: ACMG Guidelines, 2015. Collection method: clinical testing. Allele origin: germline.

Literature cited by the submitters: PubMed 17576681 (cited by Labcorp Genetics (formerly Invitae), Labcorp); PubMed 9536098 (cited by Labcorp Genetics (formerly Invitae), Labcorp).